The following is an entry in ClinVar:

ClinVar aggregate classification (germline): Uncertain significance. Review status: criteria provided, single submitter (1 of 4 stars). 2 submissions from 2 submitters: Uncertain significance (1). 1 of the submissions does not count toward it. Last evaluated 2025-08-07.

Conditions:
PASK-related disorder. Also called: PASK-related condition.

Allele frequency attached by ClinVar (database versions not stated): gnomAD exomes 0.00006; ExAC 0.00028; gnomAD 0.00059; 1000 Genomes Project 0.00060; 1000 Genomes Project 30x 0.00062; ESP Exome Variant Server 0.00069; TOPMed 0.00070.
gnomAD v4.1: 172 of 1,614,128 alleles (0.011%); highest among the groups gnomAD compares: African/African-American, 0.2%; 1 homozygote.

Submissions (2):

Ambry Genetics
Classification: Uncertain significance. Last evaluated: 2025-08-07. Review status: criteria provided, single submitter. Criteria: Ambry Variant Classification Scheme 2023. Collection method: clinical testing. Allele origin: germline.

PreventionGenetics, part of Exact Sciences
Classification: Likely benign for PASK-related condition. Last evaluated: 2023-07-30. Review status: no assertion criteria provided. Collection method: clinical testing. Allele origin: germline. Not counted in ClinVar's aggregate classification.
Comment: This variant is classified as likely benign based on ACMG/AMP sequence variant interpretation guidelines (Richards et al. 2015 PMID: 25741868, with internal and published modifications).

NM_015148.4(PASK):c.274G>C (p.Ala92Pro)

Gene: PASK (PAS domain containing serine/threonine kinase; minus strand). Cytogenetic location: 2q37.3.
Variant type: single nucleotide variant.
Coding change: c.274G>C on transcript NM_015148.4 (MANE Select); coding-DNA position 274, G replaced by C.
Protein change: p.Ala92Pro; replaces alanine 92 with proline.
Molecular consequence: missense variant.
Genome position (GRCh38, 1-based): chr2:241,140,676, C>G on the plus strand (G>C on the coding strand, the complement: PASK is on the minus strand). VCF-style: chr2-241140676-C-G. GRCh37 (hg19) VCF-style: chr2-242080091-C-G.
Other names: c.274G>C, p.Ala92Pro (NM_001252119.2, NM_001252120.2, NM_001252122.2 and 1 more transcripts); c.274G>C (NM_015148.2); short protein forms A92P.
Identifiers: ClinVar variation 3054285 (VCV003054285.3), dbSNP rs146184812, ClinGen allele CA2213787.